The following is an entry in ClinVar:

NM_000217.3(KCNA1):c.888G>T (p.Leu296Phe)

Gene: KCNA1 (potassium voltage-gated channel subfamily A member 1; plus strand). Cytogenetic location: 12p13.32.
Variant type: single nucleotide variant.
Coding change: c.888G>T on transcript NM_000217.3 (MANE Select); coding-DNA position 888, G replaced by T.
Protein change: p.Leu296Phe; replaces leucine 296 with phenylalanine.
Molecular consequence: missense variant.
Genome position (GRCh38, 1-based): chr12:4,912,266, G>T. VCF-style: chr12-4912266-G-T. GRCh37 (hg19) VCF-style: chr12-5021432-G-T.
Other names: short protein forms L296F.
Identifiers: ClinVar variation 1029721 (VCV001029721.1), dbSNP rs1315748120, ClinGen allele CA383455561.

ClinVar aggregate classification (germline): Uncertain significance (1 of 4 stars; one submission).

Conditions:
Episodic ataxia type 1 (EA1). Also called: Episodic ataxia/myokymia syndrome; MYOKYMIA WITH PERIODIC ATAXIA; PAROXYSMAL ATAXIA WITH NEUROMYOTONIA, HEREDITARY; ATAXIA, EPISODIC, WITH MYOKYMIA. Identifiers: Orphanet 37612, Orphanet 972, MedGen C1719788, MONDO:0008047, OMIM 160120.

Submission:

Baylor Genetics
Classification: Uncertain significance for Episodic ataxia type 1. Last evaluated: 2020-12-05. Review status: criteria provided, single submitter. Criteria: ACMG Guidelines, 2015. Collection method: clinical testing. Allele origin: de novo. Affected: yes.
Comment: This variant was determined to be of uncertain significance according to ACMG Guidelines, 2015 [PMID:25741868].